The following is an entry in ClinVar:

ClinVar aggregate classification (germline): Benign. Review status: criteria provided, single submitter (1 of 4 stars). 2 submissions from 1 submitter: Benign (2). Last evaluated 2018-01-13.

Conditions:
Lissencephaly 4 (LIS4). Also called: Lissencephaly 4 (with microcephaly). Identifiers: Orphanet 1083, MedGen C3151461, MONDO:0013527, OMIM 614019.
Aortic aneurysm, familial thoracic 4 (AAT4). Also called: AORTIC ANEURYSM/AORTIC DISSECTION AND PATENT DUCTUS ARTERIOSUS. Identifiers: MedGen C1851504, MONDO:0007568, OMIM 132900.

Allele frequency attached by ClinVar (database versions not stated): gnomAD exomes 0.00368; gnomAD 0.01613 and 0.01717; TOPMed 0.01829; 1000 Genomes Project 0.01837; 1000 Genomes Project 30x 0.01999.
gnomAD v4.1: 2,773 of 239,950 alleles (1.2%); highest among the groups gnomAD compares: African/African-American, 5.2%; 64 homozygotes.

Submissions (2):

Illumina Laboratory Services, Illumina
Classification: Benign for Lissencephaly 4. Last evaluated: 2018-01-13. Review status: criteria provided, single submitter. Criteria: ICSL Variant Classification Criteria 13 December 2019. Collection method: clinical testing. Allele origin: germline.
Comment: This variant was observed in the ICSL laboratory as part of a predisposition screen in an ostensibly healthy population. It had not been previously curated by ICSL or reported in the Human Gene Mutation Database (HGMD: prior to June 1st, 2018), and was therefore a candidate for classification through an automated scoring system. Utilizing variant allele frequency, disease prevalence and penetrance estimates, and inheritance mode, an automated score was calculated to assess if this variant is too frequent to cause the disease. Based on the score and internal cut-off values, a variant classified as benign is not then subjected to further curation. The score for this variant resulted in a classification of benign for this disease.

Illumina Laboratory Services, Illumina
Classification: Benign for Aortic aneurysm, familial thoracic 4. Last evaluated: 2018-01-13. Review status: criteria provided, single submitter. Criteria: ICSL Variant Classification Criteria 13 December 2019. Collection method: clinical testing. Allele origin: germline.
Comment: the same text as in the submission from Illumina Laboratory Services, Illumina above.

NM_002474.3(MYH11):c.*544G>A

Genes: MYH11 (myosin heavy chain 11; minus strand), NDE1 (nudE neurodevelopment protein 1; plus strand). Cytogenetic location: 16p13.11.
Variant type: single nucleotide variant.
Coding change: c.*544G>A on transcript NM_002474.3 (MANE Select); 544 bases downstream of the stop codon, G replaced by A.
Molecular consequence: 3 prime UTR variant. On other transcripts: intron variant (2).
Genome position (GRCh38, 1-based): chr16:15,703,447, C>T on the plus strand (G>A on the coding strand, the complement: MYH11 is on the minus strand). VCF-style: chr16-15703447-C-T. GRCh37 (hg19) VCF-style: chr16-15797304-C-T.
Other names: c.*685G>A (NM_001040113.2, NM_022844.3); c.*544G>A (NM_001040114.2); c.947+6587C>T (NM_001143979.2, NM_017668.3).
Identifiers: ClinVar variation 318077 (VCV000318077.6), dbSNP rs116721094, ClinGen allele CA10647062.